The following is an entry in ClinVar:

NM_000301.5(PLG):c.2026G>A (p.Val676Ile)

Gene: PLG (plasminogen; plus strand). Cytogenetic location: 6q26.
Variant type: single nucleotide variant.
Coding change: c.2026G>A on transcript NM_000301.5 (MANE Select); coding-DNA position 2026, G replaced by A.
Protein change: p.Val676Ile; replaces valine 676 with isoleucine.
Molecular consequence: missense variant.
Genome position (GRCh38, 1-based): chr6:160,741,318, G>A. VCF-style: chr6-160741318-G-A. GRCh37 (hg19) VCF-style: chr6-161162350-G-A.
Other names: p.Val676Ile; short protein forms V676I.
Identifiers: ClinVar variation 1693943 (VCV001693943.9), dbSNP rs142551860, ClinGen allele CA4087973.

ClinVar aggregate classification (germline): Uncertain significance. Review status: criteria provided, multiple submitters, no conflicts (2 of 4 stars). 2 submissions from 2 submitters: Uncertain significance (2). Last evaluated 2024-09-30.

Allele frequency attached by ClinVar (database versions not stated): ESP Exome Variant Server 0.00008; gnomAD exomes 0.00010; ExAC 0.00012.
gnomAD v4.1: 156 of 1,598,222 alleles (0.0098%); highest among the groups gnomAD compares: South Asian, 0.031%; 1 homozygote.

Submissions (2):

Labcorp Genetics (formerly Invitae), Labcorp
Classification: Uncertain significance. Last evaluated: 2024-09-30. Review status: criteria provided, single submitter. Criteria: Invitae Variant Classification Sherloc (09022015). Collection method: clinical testing. Allele origin: germline.
Comment: This sequence change replaces valine, which is neutral and non-polar, with isoleucine, which is neutral and non-polar, at codon 676 of the PLG protein (p.Val676Ile). This variant is present in population databases (rs142551860, gnomAD 0.03%). This variant has not been reported in the literature in individuals affected with PLG-related conditions. ClinVar contains an entry for this variant (Variation ID: 1693943). Invitae Evidence Modeling of protein sequence and biophysical properties (such as structural, functional, and spatial information, amino acid conservation, physicochemical variation, residue mobility, and thermodynamic stability) indicates that this missense variant is not expected to disrupt PLG protein function with a negative predictive value of 80%. In summary, the available evidence is currently insufficient to determine the role of this variant in disease. Therefore, it has been classified as a Variant of Uncertain Significance.

Mayo Clinic Laboratories, Mayo Clinic
Classification: Uncertain significance. Last evaluated: 2022-01-27. Review status: criteria provided, single submitter. Criteria: ACMG Guidelines, 2015. Collection method: clinical testing. Allele origin: germline.